The following is an entry in ClinVar:

NM_032634.4(PIGO):c.517C>T (p.Arg173Cys)

Gene: PIGO (phosphatidylinositol glycan anchor biosynthesis class O; minus strand). Cytogenetic location: 9p13.3.
Variant type: single nucleotide variant.
Coding change: c.517C>T on transcript NM_032634.4 (MANE Select); coding-DNA position 517, C replaced by T.
Protein change: p.Arg173Cys; replaces arginine 173 with cysteine.
Molecular consequence: missense variant.
Genome position (GRCh38, 1-based): chr9:35,094,354, G>A on the plus strand (C>T on the coding strand, the complement: PIGO is on the minus strand). VCF-style: chr9-35094354-G-A. GRCh37 (hg19) VCF-style: chr9-35094351-G-A.
Other names: c.517C>T, p.Arg173Cys (NM_001201484.2, NM_152850.4); short protein forms R173C.
Identifiers: ClinVar variation 2147490 (VCV002147490.1), dbSNP rs763191841, ClinGen allele CA5040909.

ClinVar aggregate classification (germline): Uncertain significance (1 of 4 stars; one submission).

Conditions:
Hyperphosphatasia with impaired intellectual development syndrome 2. Also called: Hyperphosphatasia with intellectual disability syndrome 2; GLYCOSYLPHOSPHATIDYLINOSITOL BIOSYNTHESIS DEFECT 6. Identifiers: Orphanet 247262, MedGen C3553637, MONDO:0013882, OMIM 614749.

Allele frequency attached by ClinVar (database versions not stated): ExAC 0.00001; gnomAD exomes 0.00001.
gnomAD v4.1: 14 of 1,601,462 alleles (0.00087%); highest among the groups gnomAD compares: Middle Eastern, 0.017%; no homozygotes.

Submission:

Labcorp Genetics (formerly Invitae), Labcorp
Classification: Uncertain significance for Hyperphosphatasia with impaired intellectual development syndrome 2. Last evaluated: 2022-03-04. Review status: criteria provided, single submitter. Criteria: Invitae Variant Classification Sherloc (09022015). Collection method: clinical testing. Allele origin: germline.
Comment: This sequence change replaces arginine, which is basic and polar, with cysteine, which is neutral and slightly polar, at codon 173 of the PIGO protein (p.Arg173Cys). This variant is present in population databases (rs763191841, gnomAD 0.004%). This variant has not been reported in the literature in individuals affected with PIGO-related conditions. Algorithms developed to predict the effect of missense changes on protein structure and function are either unavailable or do not agree on the potential impact of this missense change (SIFT: "Deleterious"; PolyPhen-2: "Possibly Damaging"; Align-GVGD: "Class C15"). In summary, the available evidence is currently insufficient to determine the role of this variant in disease. Therefore, it has been classified as a Variant of Uncertain Significance.